The following is an entry in ClinVar:

NM_006231.4(POLE):c.6439C>A (p.Pro2147Thr)

Gene: POLE (DNA polymerase epsilon, catalytic subunit; minus strand). Cytogenetic location: 12q24.33.
Variant type: single nucleotide variant.
Coding change: c.6439C>A on transcript NM_006231.4 (MANE Select); coding-DNA position 6439, C replaced by A.
Protein change: p.Pro2147Thr; replaces proline 2147 with threonine.
Molecular consequence: missense variant.
Genome position (GRCh38, 1-based): chr12:132,626,209, G>T on the plus strand (C>A on the coding strand, the complement: POLE is on the minus strand). VCF-style: chr12-132626209-G-T. GRCh37 (hg19) VCF-style: chr12-133202795-G-T.
Other names: short protein forms P2147T.
Identifiers: ClinVar variation 2447930 (VCV002447930.5), dbSNP rs776658476, ClinGen allele CA387367546.
Genomic context (GRCh38, chr12:132,626,209, plus strand): 5'-GGTCGCGGCAGAAGTTACAGCTGCGGCAGATGACCTCAGGAAGCACGTAGGAGCGGCAGG[G>T]GTCTCGGAACTGGGCCTCCTCGGAGAACTCGCCGACATCCACCAGGCGAAGCAGGTCTCG-3'
Protein context (NP_006222.2, residues 2137-2157): EFSEEAQFRD[Pro2147Thr]CRSYVLPEVI

ClinVar aggregate classification (germline): Uncertain significance. Review status: criteria provided, multiple submitters, no conflicts (2 of 4 stars). 2 submissions from 2 submitters: Uncertain significance (2). Last evaluated 2023-08-23.

Conditions:
Hereditary cancer-predisposing syndrome. Also called: Neoplastic Syndromes, Hereditary; Hereditary Cancer Syndrome; Tumor predisposition; Hereditary neoplastic syndrome. Identifiers: Orphanet 140162, MedGen C0027672, MeSH D009386, MONDO:0015356.

Submissions (2):

Labcorp Genetics (formerly Invitae), Labcorp
Classification: Uncertain significance. Last evaluated: 2023-08-23. Review status: criteria provided, single submitter. Criteria: Invitae Variant Classification Sherloc (09022015). Collection method: clinical testing. Allele origin: germline.
Comment: This variant has not been reported in the literature in individuals affected with POLE-related conditions. This variant is not present in population databases (gnomAD no frequency). This sequence change replaces proline, which is neutral and non-polar, with threonine, which is neutral and polar, at codon 2147 of the POLE protein (p.Pro2147Thr). ClinVar contains an entry for this variant (Variation ID: 2447930). In summary, the available evidence is currently insufficient to determine the role of this variant in disease. Therefore, it has been classified as a Variant of Uncertain Significance. Advanced modeling of protein sequence and biophysical properties (such as structural, functional, and spatial information, amino acid conservation, physicochemical variation, residue mobility, and thermodynamic stability) performed at Invitae indicates that this missense variant is not expected to disrupt POLE protein function.

Ambry Genetics
Classification: Uncertain significance for Hereditary cancer-predisposing syndrome. Last evaluated: 2022-12-16. Review status: criteria provided, single submitter. Criteria: Ambry Variant Classification Scheme 2023. Collection method: clinical testing. Allele origin: germline.
Comment: The p.P2147T variant (also known as c.6439C>A), located in coding exon 46 of the POLE gene, results from a C to A substitution at nucleotide position 6439. The proline at codon 2147 is replaced by threonine, an amino acid with highly similar properties. This amino acid position is conserved. In addition, the in silico prediction for this alteration is inconclusive. Since supporting evidence is limited at this time, the clinical significance of this alteration remains unclear.